The following is an entry in ClinVar:

NM_006904.7(PRKDC):c.8417A>G (p.Lys2806Arg)

Gene: PRKDC (protein kinase, DNA-activated, catalytic subunit; minus strand). Cytogenetic location: 8q11.21.
Variant type: single nucleotide variant.
Coding change: c.8417A>G on transcript NM_006904.7 (MANE Select); coding-DNA position 8417, A replaced by G.
Protein change: p.Lys2806Arg; replaces lysine 2806 with arginine.
Molecular consequence: missense variant.
Genome position (GRCh38, 1-based): chr8:47,828,328, T>C on the plus strand (A>G on the coding strand, the complement: PRKDC is on the minus strand). VCF-style: chr8-47828328-T-C. GRCh37 (hg19) VCF-style: chr8-48740889-T-C.
Other names: c.8417A>G, p.Lys2806Arg (NM_001081640.2); short protein forms K2806R.
Identifiers: ClinVar variation 1763298 (VCV001763298.2), dbSNP rs2551866377, ClinGen allele CA371144744.
Genomic context (GRCh38, chr8:47,828,328, plus strand): 5'-AGTGTCTTAAATTTATCCATCTCTTTCAAAATTCCAGAAAACAAGCTGCTAAAGAGCTGT[T>C]TTGCAATTATTGGGTCCCTCTGTAAAAAATTCAAAACAAAGACAAATTAGGATCTGAAGC-3'
Protein context (NP_008835.5, residues 2796-2816): AVAQRDPIIA[Lys2806Arg]QLFSSLFSGI

ClinVar aggregate classification (germline): Uncertain significance (1 of 4 stars; one submission).

Submission:

Ambry Genetics
Classification: Uncertain significance. Last evaluated: 2022-06-28. Review status: criteria provided, single submitter. Criteria: Ambry Variant Classification Scheme 2023. Collection method: clinical testing. Allele origin: germline.
Comment: The p.K2806R variant (also known as c.8417A>G), located in coding exon 62 of the PRKDC gene, results from an A to G substitution at nucleotide position 8417. The lysine at codon 2806 is replaced by arginine, an amino acid with highly similar properties. This amino acid position is conserved. Since supporting evidence is limited at this time, the clinical significance of this alteration remains unclear.